The following is an entry in ClinVar:

NM_002471.4(MYH6):c.2217T>G (p.Asp739Glu)

Gene: MYH6 (myosin heavy chain 6; minus strand). Cytogenetic location: 14q11.2.
Variant type: single nucleotide variant.
Coding change: c.2217T>G on transcript NM_002471.4 (MANE Select); coding-DNA position 2217, T replaced by G.
Protein change: p.Asp739Glu; replaces aspartic acid 739 with glutamic acid.
Molecular consequence: missense variant.
Genome position (GRCh38, 1-based): chr14:23,396,769, A>C on the plus strand (T>G on the coding strand, the complement: MYH6 is on the minus strand). VCF-style: chr14-23396769-A-C. GRCh37 (hg19) VCF-style: chr14-23865978-A-C.
Other names: short protein forms D739E.
Identifiers: ClinVar variation 3708413 (VCV003708413.3).

ClinVar aggregate classification (germline): Uncertain significance. Review status: criteria provided, multiple submitters, no conflicts (2 of 4 stars). 2 submissions from 2 submitters: Uncertain significance (2). Last evaluated 2025-08-20.

Conditions:
Cardiovascular phenotype. Identifiers: MedGen CN230736.
Hypertrophic cardiomyopathy 14. Identifiers: MedGen C2750467, MONDO:0013197, OMIM 613251.

gnomAD v4.1: 2 of 1,613,984 alleles (0.00012%); highest among the groups gnomAD compares: South Asian, 0.0011%; no homozygotes.

Submissions (2):

Ambry Genetics
Classification: Uncertain significance for Cardiovascular phenotype. Last evaluated: 2025-08-20. Review status: criteria provided, single submitter. Criteria: Ambry Variant Classification Scheme 2023. Collection method: clinical testing. Allele origin: germline.
Comment: The p.D739E variant (also known as c.2217T>G), located in coding exon 17 of the MYH6 gene, results from a T to G substitution at nucleotide position 2217. The aspartic acid at codon 739 is replaced by glutamic acid, an amino acid with highly similar properties. This amino acid position is conserved. In addition, the in silico prediction for this alteration is inconclusive. Based on the available evidence, the clinical significance of this variant remains unclear.

Labcorp Genetics (formerly Invitae), Labcorp
Classification: Uncertain significance for Hypertrophic cardiomyopathy 14. Last evaluated: 2024-06-04. Review status: criteria provided, single submitter. Criteria: Invitae Variant Classification Sherloc (09022015). Collection method: clinical testing. Allele origin: germline.
Comment: This sequence change replaces aspartic acid, which is acidic and polar, with glutamic acid, which is acidic and polar, at codon 739 of the MYH6 protein (p.Asp739Glu). This variant is present in population databases (no rsID available, gnomAD 0.003%). This variant has not been reported in the literature in individuals affected with MYH6-related conditions. Advanced modeling of protein sequence and biophysical properties (such as structural, functional, and spatial information, amino acid conservation, physicochemical variation, residue mobility, and thermodynamic stability) performed at Invitae indicates that this missense variant is expected to disrupt MYH6 protein function with a positive predictive value of 80%. In summary, the available evidence is currently insufficient to determine the role of this variant in disease. Therefore, it has been classified as a Variant of Uncertain Significance.